The following is an entry in ClinVar:

ClinVar aggregate classification (germline): Pathogenic/Likely pathogenic. Review status: criteria provided, multiple submitters, no conflicts (2 of 4 stars). 3 submissions from 3 submitters: Pathogenic (2); Likely pathogenic (1). Last evaluated 2026-03-06.

Conditions:
Intellectual developmental disorder, autosomal dominant 22. Also called: Intellectual disability, autosomal dominant 22. Identifiers: MedGen CN029689, MONDO:0012869, OMIM 612337.

Submissions (3):

GeneDx
Classification: Likely pathogenic. Last evaluated: 2026-03-06. Review status: criteria provided, single submitter. Criteria: GeneDx Variant Classification Process June 2021. Collection method: clinical testing. Allele origin: germline.
Comment: Nonsense variant predicted to result in protein truncation, as the last 484 amino acid(s) are lost, and other loss-of-function variants have been reported downstream in HGMD; Not observed at significant frequency in large population cohorts (gnomAD); This variant is associated with the following publications: (PMID: 33057194, 36066546, 41764152, 35982159, 29158550)

Labcorp Genetics (formerly Invitae), Labcorp
Classification: Pathogenic. Last evaluated: 2024-04-17. Review status: criteria provided, single submitter. Criteria: Invitae Variant Classification Sherloc (09022015). Collection method: clinical testing. Allele origin: germline.
Comment: This sequence change creates a premature translational stop signal (p.Arg48*) in the ZBTB18 gene. While this is not anticipated to result in nonsense mediated decay, it is expected to disrupt the last 484 amino acid(s) of the ZBTB18 protein. This variant is not present in population databases (gnomAD no frequency). This premature translational stop signal has been observed in individual(s) with ZBTB18-related conditions (PMID: 29158550; Invitae). In at least one individual the variant was observed to be de novo. ClinVar contains an entry for this variant (Variation ID: 431091). This variant disrupts a region of the ZBTB18 protein in which other variant(s) (p.His469Arg) have been determined to be pathogenic (Invitae). This suggests that this is a clinically significant region of the protein, and that variants that disrupt it are likely to be disease-causing. For these reasons, this variant has been classified as Pathogenic.

Institute of Human Genetics, FAU Erlangen, Friedrich-Alexander-Universität Erlangen-Nürnberg
Classification: Pathogenic for Intellectual developmental disorder, autosomal dominant 22. Last evaluated: 2017-08-01. Review status: criteria provided, single submitter. Criteria: ACMG Guidelines, 2015. Collection method: clinical testing. Allele origin: de novo. Inheritance: Sporadic. Affected: yes. Observed: 1 variant allele, 1 heterozygote.

Literature cited by the submitters: PubMed 29158550 (cited by Labcorp Genetics (formerly Invitae), Labcorp).

NM_205768.3(ZBTB18):c.142C>T (p.Arg48Ter)

Gene: ZBTB18 (zinc finger and BTB domain containing 18; plus strand). Cytogenetic location: 1q44.
Variant type: single nucleotide variant.
Coding change: c.142C>T on transcript NM_205768.3 (MANE Select); coding-DNA position 142, C replaced by T.
Protein change: p.Arg48Ter; replaces arginine 48 with a stop codon.
Molecular consequence: nonsense.
Genome position (GRCh38, 1-based): chr1:244,053,916, C>T. VCF-style: chr1-244053916-C-T. GRCh37 (hg19) VCF-style: chr1-244217218-C-T.
Other names: c.115C>T, p.Arg39Ter (NM_001278196.2, NM_006352.5); short protein forms R48*, R39*.
Identifiers: ClinVar variation 431091 (VCV000431091.13), dbSNP rs1135401770, ClinGen allele CA345672227.